The following is an entry in ClinVar:

ClinVar aggregate classification (germline): Uncertain significance. Review status: criteria provided, single submitter (1 of 4 stars). 2 submissions from 2 submitters: Uncertain significance (1). 1 of the submissions does not count toward it. Last evaluated 2024-02-28.

Conditions:
Cardiovascular phenotype. Identifiers: MedGen CN230736.
Dilated cardiomyopathy 1CC (CMD1CC). Identifiers: Orphanet 154, MedGen C2751084, MONDO:0013147, OMIM 613122.

gnomAD v4.1: 1 of 1,613,616 alleles (0.000062%); no homozygotes.

Submissions (2):

Ambry Genetics
Classification: Uncertain significance for Cardiovascular phenotype. Last evaluated: 2024-02-28. Review status: criteria provided, single submitter. Criteria: Ambry Variant Classification Scheme 2023. Collection method: clinical testing. Allele origin: germline.
Comment: The p.P611T variant (also known as c.1831C>A), located in coding exon 12 of the NEXN gene, results from a C to A substitution at nucleotide position 1831. The proline at codon 611 is replaced by threonine, an amino acid with highly similar properties. This variant has been detected in an individual with dilated cardiomyopathy (DCM) (Hassel D et al. Nat Med, 2009 Nov;15:1281-8). Zebrafish embryos expressing the corresponding variant recapitulated DCM phenotype (Hassel D et al. Nat Med, 2009 Nov;15:1281-8). This amino acid position is highly conserved in available vertebrate species. In addition, this alteration is predicted to be deleterious by in silico analysis. Based on the available evidence, the clinical significance of this alteration remains unclear.

OMIM
Classification: Pathogenic for CARDIOMYOPATHY, DILATED, 1CC. Last evaluated: 2009-11-01. Review status: no assertion criteria provided. Collection method: literature only. Allele origin: germline. Not counted in ClinVar's aggregate classification.

Literature cited by the submitters: PubMed 19881492 (cited by Ambry Genetics and OMIM).

NM_144573.4(NEXN):c.1831C>A (p.Pro611Thr)

Gene: NEXN (nexilin F-actin binding protein; plus strand). Cytogenetic location: 1p31.1.
Variant type: single nucleotide variant.
Coding change: c.1831C>A on transcript NM_144573.4 (MANE Select); coding-DNA position 1831, C replaced by A.
Protein change: p.Pro611Thr; replaces proline 611 with threonine.
Molecular consequence: missense variant.
Genome position (GRCh38, 1-based): chr1:77,942,632, C>A. VCF-style: chr1-77942632-C-A. GRCh37 (hg19) VCF-style: chr1-78408317-C-A.
Other names: c.1639C>A, p.Pro547Thr (NM_001172309.2); c.1831C>A (NM_144573.3); short protein forms P611T, P547T.
Identifiers: ClinVar variation 327 (VCV000000327.2), dbSNP rs137853198, ClinGen allele CA251427.
Genomic context (GRCh38, chr1:77,942,632, plus strand): 5'-ACATCAGTTGTAGACAGTGAGCCAGTCAGATTTACGGTTAAAGTAACAGGAGAACCCAAA[C>A]CAGAAATTACATGGTGGTTTGAAGGAGAAATACTGCAGGATGGAGAAGACTATCAATATA-3'
Protein context (NP_653174.3, residues 601-621): FTVKVTGEPK[Pro611Thr]EITWWFEGEI